The following is an entry in ClinVar:

NM_015450.3(POT1):c.100C>T (p.Pro34Ser)

Gene: POT1 (protection of telomeres 1; minus strand). Cytogenetic location: 7q31.33.
Variant type: single nucleotide variant.
Coding change: c.100C>T on transcript NM_015450.3 (MANE Select); coding-DNA position 100, C replaced by T.
Protein change: p.Pro34Ser; replaces proline 34 with serine.
Molecular consequence: missense variant. On other transcripts: 5 prime UTR variant (1), non-coding transcript variant (3).
Genome position (GRCh38, 1-based): chr7:124,892,290, G>A on the plus strand (C>T on the coding strand, the complement: POT1 is on the minus strand). VCF-style: chr7-124892290-G-A. GRCh37 (hg19) VCF-style: chr7-124532344-G-A.
Other names: c.-163C>T (NM_001042594.2); short protein forms P34S.
Identifiers: ClinVar variation 1796259 (VCV001796259.5), dbSNP rs1221080304, ClinGen allele CA369066019.
Genomic context (GRCh38, chr7:124,892,290, plus strand): 5'-TCCACTCCAAAAAACTCCACCAGTTTTAATACCTACCAGTTCCTTTGCTTAGATATGGGG[G>A]CTTAAAGAACTTCACAACACCATAGACATTGACAATTGTACCACCCTTAAGTTGATTCAG-3'
Protein context (NP_056265.2, residues 24-44): NVYGVVKFFK[Pro34Ser]PYLSKGTDYC

ClinVar aggregate classification (germline): Uncertain significance. Review status: criteria provided, multiple submitters, no conflicts (2 of 4 stars). 3 submissions from 3 submitters: Uncertain significance (3). Last evaluated 2025-06-11.

Conditions:
Hereditary cancer-predisposing syndrome. Also called: Tumor predisposition; Neoplastic Syndromes, Hereditary; Hereditary Cancer Syndrome; Hereditary neoplastic syndrome. Identifiers: Orphanet 140162, MedGen C0027672, MeSH D009386, MONDO:0015356.
Tumor predisposition syndrome 3 (TPDS3). Also called: Glioma susceptibility 9; LONG TELOMERE SYNDROME, POT1-RELATED; POT1 Tumor Predisposition; Melanoma, cutaneous malignant, susceptibility to, 10. Identifiers: Orphanet 618, MedGen C4014476, MONDO:0014368, OMIM 615848.

Allele frequency attached by ClinVar (database versions not stated): gnomAD exomes below 0.00001.
gnomAD v4.1: 1 of 1,544,280 alleles (0.000065%); highest among the groups gnomAD compares: Non-Finnish European, 0.000087%; no homozygotes.

Submissions (3):

Ambry Genetics
Classification: Uncertain significance for Hereditary cancer-predisposing syndrome. Last evaluated: 2025-06-11. Review status: criteria provided, single submitter. Criteria: Ambry Variant Classification Scheme 2023. Collection method: clinical testing. Allele origin: germline.
Comment: The p.P34S variant (also known as c.100C>T), located in coding exon 2 of the POT1 gene, results from a C to T substitution at nucleotide position 100. The proline at codon 34 is replaced by serine, an amino acid with similar properties. This amino acid position is highly conserved in available vertebrate species. In addition, this alteration is predicted to be tolerated by in silico analysis. Based on the available evidence, the clinical significance of this variant remains unclear.

Labcorp Genetics (formerly Invitae), Labcorp
Classification: Uncertain significance for Tumor predisposition syndrome 3. Last evaluated: 2025-02-18. Review status: criteria provided, single submitter. Criteria: Invitae Variant Classification Sherloc (09022015). Collection method: clinical testing. Allele origin: germline.
Comment: This sequence change replaces proline, which is neutral and non-polar, with serine, which is neutral and polar, at codon 34 of the POT1 protein (p.Pro34Ser). The frequency data for this variant in the population databases is considered unreliable, as metrics indicate poor data quality at this position in the gnomAD database. This variant has not been reported in the literature in individuals affected with POT1-related conditions. ClinVar contains an entry for this variant (Variation ID: 1796259). Invitae Evidence Modeling of protein sequence and biophysical properties (such as structural, functional, and spatial information, amino acid conservation, physicochemical variation, residue mobility, and thermodynamic stability) indicates that this missense variant is not expected to disrupt POT1 protein function with a negative predictive value of 80%. In summary, the available evidence is currently insufficient to determine the role of this variant in disease. Therefore, it has been classified as a Variant of Uncertain Significance.

GeneDx
Classification: Uncertain significance. Last evaluated: 2023-01-12. Review status: criteria provided, single submitter. Criteria: GeneDx Variant Classification Process June 2021. Collection method: clinical testing. Allele origin: germline. Affected: yes.
Comment: Not observed at significant frequency in large population cohorts (gnomAD); In silico analysis supports that this missense variant has a deleterious effect on protein structure/function; Has not been previously published as pathogenic or benign to our knowledge; This variant is associated with the following publications: (PMID: 28393830)